The following is an entry in ClinVar:

ClinVar aggregate classification (germline): Uncertain significance. Review status: criteria provided, multiple submitters, no conflicts (2 of 4 stars). 2 submissions from 2 submitters: Uncertain significance (2). Last evaluated 2025-04-05.

gnomAD v4.1: 11 of 1,610,006 alleles (0.00068%); highest among the groups gnomAD compares: African/African-American, 0.013%; no homozygotes.

Submissions (2):

Labcorp Genetics (formerly Invitae), Labcorp
Classification: Uncertain significance. Last evaluated: 2025-04-05. Review status: criteria provided, single submitter. Criteria: Invitae Variant Classification Sherloc (09022015). Collection method: clinical testing. Allele origin: germline.
Comment: This sequence change replaces histidine, which is basic and polar, with proline, which is neutral and non-polar, at codon 1805 of the SORL1 protein (p.His1805Pro). This variant is present in population databases (rs141153296, gnomAD 0.02%). This variant has not been reported in the literature in individuals affected with SORL1-related conditions. ClinVar contains an entry for this variant (Variation ID: 3321522). An algorithm developed to predict the effect of missense changes on protein structure and function (PolyPhen-2) suggests that this variant is likely to be tolerated. In summary, the available evidence is currently insufficient to determine the role of this variant in disease. Therefore, it has been classified as a Variant of Uncertain Significance.

Ambry Genetics
Classification: Uncertain significance. Last evaluated: 2024-05-07. Review status: criteria provided, single submitter. Criteria: Ambry Variant Classification Scheme 2023. Collection method: clinical testing. Allele origin: germline.

NM_003105.6(SORL1):c.5414A>C (p.His1805Pro)

Gene: SORL1 (sortilin related receptor 1; plus strand). Cytogenetic location: 11q24.1.
Variant type: single nucleotide variant.
Coding change: c.5414A>C on transcript NM_003105.6 (MANE Select); coding-DNA position 5414, A replaced by C.
Protein change: p.His1805Pro; replaces histidine 1805 with proline.
Molecular consequence: missense variant.
Genome position (GRCh38, 1-based): chr11:121,612,827, A>C. VCF-style: chr11-121612827-A-C. GRCh37 (hg19) VCF-style: chr11-121483536-A-C.
Other names: short protein forms H1805P.
Identifiers: ClinVar variation 3321522 (VCV003321522.2).